The following is an entry in ClinVar:

NM_001048174.2(MUTYH):c.103T>A (p.Ser35Thr)

Gene: MUTYH (mutY DNA glycosylase; minus strand). Cytogenetic location: 1p34.1.
Variant type: single nucleotide variant.
Coding change: c.103T>A on transcript NM_001048174.2 (MANE Select); coding-DNA position 103, T replaced by A.
Protein change: p.Ser35Thr; replaces serine 35 with threonine.
Molecular consequence: missense variant. On other transcripts: 5 prime UTR variant (7), non-coding transcript variant (7).
Genome position (GRCh38, 1-based): chr1:45,334,403, A>T on the plus strand (T>A on the coding strand, the complement: MUTYH is on the minus strand). VCF-style: chr1-45334403-A-T. GRCh37 (hg19) VCF-style: chr1-45800075-A-T.
Other names: c.103T>A, p.Ser35Thr (NM_001048171.2, NM_001048172.2, NM_001048173.2 and 15 more transcripts); c.145T>A, p.Ser49Thr (NM_001128425.2, NM_001293190.2, NM_001407069.1 and 2 more transcripts); c.-110T>A (NM_001293192.2, NM_001293196.2, NM_001407091.1); c.-169T>A (NM_001350650.2); c.-105T>A (NM_001350651.2, NM_001407082.1); c.-54T>A (NM_001407075.1); c.121T>A, p.Ser41Thr (NM_001407087.1); short protein forms S41T, S35T, S49T.
Identifiers: ClinVar variation 4113262 (VCV004113262.1).

ClinVar aggregate classification (germline): Uncertain significance (1 of 4 stars; one submission).

Conditions:
Hereditary cancer-predisposing syndrome. Also called: Tumor predisposition; Neoplastic Syndromes, Hereditary; Hereditary neoplastic syndrome; Hereditary Cancer Syndrome. Identifiers: Orphanet 140162, MedGen C0027672, MeSH D009386, MONDO:0015356.

Submission:

Ambry Genetics
Classification: Uncertain significance for Hereditary cancer-predisposing syndrome. Last evaluated: 2025-08-27. Review status: criteria provided, single submitter. Criteria: Ambry Variant Classification Scheme 2023. Collection method: clinical testing. Allele origin: germline.
Comment: The p.S49T variant (also known as c.145T>A), located in coding exon 2 of the MUTYH gene, results from a T to A substitution at nucleotide position 145. The serine at codon 49 is replaced by threonine, an amino acid with similar properties. This amino acid position is conserved. In addition, this alteration is predicted to be tolerated by in silico analysis. Based on the available evidence, the clinical significance of this variant remains unclear.